The following is an entry in ClinVar:

NM_007294.4(BRCA1):c.5399T>C (p.Leu1800Pro)

Gene: BRCA1 (BRCA1 DNA repair associated; minus strand). Cytogenetic location: 17q21.31.
Variant type: single nucleotide variant.
Coding change: c.5399T>C on transcript NM_007294.4 (MANE Select); coding-DNA position 5399, T replaced by C.
Protein change: p.Leu1800Pro; replaces leucine 1800 with proline.
Molecular consequence: missense variant. On other transcripts: non-coding transcript variant (1), intron variant (1).
Genome position (GRCh38, 1-based): chr17:43,049,128, A>G on the plus strand (T>C on the coding strand, the complement: BRCA1 is on the minus strand). VCF-style: chr17-43049128-A-G. GRCh37 (hg19) VCF-style: chr17-41201145-A-G.
Other names: c.5186T>C, p.Leu1729Pro (NM_001407571.1, NM_001407904.1, NM_001407906.1 and 12 more transcripts); c.5465T>C, p.Leu1822Pro (NM_001407581.1, NM_001407582.1); c.5462T>C, p.Leu1821Pro (NM_001407583.1, NM_001407585.1, NM_001407587.1 and 1 more transcripts); c.5459T>C, p.Leu1820Pro (NM_001407590.1, NM_001407591.1); c.5399T>C, p.Leu1800Pro (NM_001407593.1, NM_001407594.1, NM_001407596.1 and 5 more transcripts); c.5396T>C, p.Leu1799Pro (NM_001407610.1, NM_001407611.1, NM_001407612.1 and 14 more transcripts); c.5393T>C, p.Leu1798Pro (NM_001407627.1, NM_001407628.1, NM_001407629.1 and 13 more transcripts); c.5390T>C, p.Leu1797Pro (NM_001407645.1, NM_001407644.1); and 73 more; short protein forms L1753P, L1821P, L696P, L1800P, L1631P, L1646P, L1673P, L1688P.
Identifiers: ClinVar variation 865420 (VCV000865420.3), dbSNP rs2051074040, ClinGen allele CA10590677.
Genomic context (GRCh38, chr17:43,049,128, plus strand): 5'-TCACAGGAGAGAATATTGTGTCCTCCCTCTCTGACAGGGCACCCAATACTTACTGTGCCA[A>G]GGGTGAATGATGAAAGCTCCTTCACCACAGAAGCACCACACAGCTGTACCATCCATTCCA-3'
Protein context (NP_009225.1, residues 1790-1810): SVVKELSSFT[Leu1800Pro]GTGVHPIVVV

Conditions:
Breast-ovarian cancer, familial, susceptibility to, 1 (BROVCA1). Also called: BRCA1 Hereditary Breast and Ovarian Cancer; OVARIAN CANCER, SUSCEPTIBILITY TO. Identifiers: Orphanet 145, MedGen C2676676, MONDO:0011450, OMIM 604370. Disease mechanism: loss of function.

Submission:

Brotman Baty Institute, University of Washington
No classification provided (evidence only). Condition: Breast-ovarian cancer, familial 1. Review status: no classification provided. Collection method: in vitro. Allele origin: not applicable. Functional consequence: functionally_normal.
ClinVar note: "not provided" was previously submitted as the classification for the variant. However, the classification appeared to be based only on an observation of functional data so it was converted to no classification on 2025-07-30.